The following is an entry in ClinVar:

ClinVar aggregate classification (germline): Conflicting classifications of pathogenicity. Review status: criteria provided, conflicting classifications (1 of 4 stars). 4 submissions from 4 submitters: Uncertain significance (1); Likely benign (3). Last evaluated 2025-12-08.

Conditions:
Inborn genetic diseases. Identifiers: MedGen C0950123, MeSH D030342.

Allele frequency attached by ClinVar (database versions not stated): ExAC 0.00014; TOPMed 0.00031; gnomAD 0.00039; gnomAD exomes 0.00052.
gnomAD v4.1: 773 of 1,532,922 alleles (0.05%); highest among the groups gnomAD compares: Non-Finnish European, 0.055%; 1 homozygote.

Submissions (4):

Labcorp Genetics (formerly Invitae), Labcorp
Classification: Likely benign. Last evaluated: 2025-12-08. Review status: criteria provided, single submitter. Criteria: Invitae Variant Classification Sherloc (09022015). Collection method: clinical testing. Allele origin: germline.

Blueprint Genetics
Classification: Likely benign. Last evaluated: 2024-11-19. Review status: criteria provided, single submitter. Criteria: ACMG Guidelines, 2015. Collection method: clinical testing. Allele origin: germline.

ARUP Laboratories, Molecular Genetics and Genomics, ARUP Laboratories
Classification: Uncertain significance. Last evaluated: 2023-05-11. Review status: criteria provided, single submitter. Criteria: ARUP Molecular Germline Variant Investigation Process 2024. Collection method: clinical testing. Allele origin: germline.
Comment: The PIEZO1 c.1187G>A; p.Arg396Gln variant (rs764722890), to our knowledge, is not reported in the medical literature or gene specific databases. This variant is found in the general population with an overall allele frequency of 0.05% (79/168978 alleles). The arginine at codon 396 is weakly conserved, and computational analyses predict that this variant is neutral (REVEL: 0.076). Due to limited information, the clinical significance of this variant is uncertain at this time.

Ambry Genetics
Classification: Likely benign for Inborn genetic diseases. Last evaluated: 2022-02-03. Review status: criteria provided, single submitter. Criteria: Ambry Variant Classification Scheme 2023. Collection method: clinical testing. Allele origin: germline.

NM_001142864.4(PIEZO1):c.1187G>A (p.Arg396Gln)

Genes: HSALR1 (HSP90AB1 associated lncRNA 1; plus strand), PIEZO1 (piezo type mechanosensitive ion channel component 1 (Er blood group); minus strand), LOC130059751 (ATAC-STARR-seq lymphoblastoid silent region 7872; plus strand). Cytogenetic location: 16q24.3.
Variant type: single nucleotide variant.
Coding change: c.1187G>A on transcript NM_001142864.4 (MANE Select); coding-DNA position 1187, G replaced by A.
Protein change: p.Arg396Gln; replaces arginine 396 with glutamine.
Molecular consequence: missense variant.
Genome position (GRCh38, 1-based): chr16:88,737,567, C>T on the plus strand (G>A on the coding strand, the complement: PIEZO1 is on the minus strand). VCF-style: chr16-88737567-C-T. GRCh37 (hg19) VCF-style: chr16-88803975-C-T.
Other names: short protein forms R396Q.
Identifiers: ClinVar variation 2058257 (VCV002058257.10), dbSNP rs764722890, ClinGen allele CA8233092.
Genomic context (GRCh38, chr16:88,737,567, plus strand): 5'-CCTCCGCCCCGCCCCCCGCACCCAGCCATACCTTGCAGTGTGCGGTACTCACCAGGCCGC[C>T]GCAGGACGGAGCTCTGGCCGGTCAGCTCGTGCACGATGCAGTTATCAGCCTCGGTGTCGG-3'
Protein context (NP_001136336.2, residues 386-406): HELTGQSSVL[Arg396Gln]RPVRPKRAEP